The following is an entry in ClinVar:

ClinVar aggregate classification (germline): Uncertain significance (1 of 4 stars; one submission).

gnomAD v4.1: 1 of 1,613,356 alleles (0.000062%); highest among the groups gnomAD compares: African/African-American, 0.0013%; no homozygotes.

Submission:

Ambry Genetics
Classification: Uncertain significance. Last evaluated: 2025-11-24. Review status: criteria provided, single submitter. Criteria: Ambry Variant Classification Scheme 2023. Collection method: clinical testing. Allele origin: germline.
Comment: The p.D66G variant (also known as c.197A>G), located in coding exon 2 of the GFI1 gene, results from an A to G substitution at nucleotide position 197. The aspartic acid at codon 66 is replaced by glycine, an amino acid with similar properties. This amino acid position is conserved. In addition, this alteration is predicted to be tolerated by in silico analysis. Based on the available evidence, the clinical significance of this variant remains unclear.

NM_005263.5(GFI1):c.197A>G (p.Asp66Gly)

Gene: GFI1 (growth factor independent 1 transcriptional repressor; minus strand). Cytogenetic location: 1p22.1.
Variant type: single nucleotide variant.
Coding change: c.197A>G on transcript NM_005263.5 (MANE Select); coding-DNA position 197, A replaced by G.
Protein change: p.Asp66Gly; replaces aspartic acid 66 with glycine.
Molecular consequence: missense variant.
Genome position (GRCh38, 1-based): chr1:92,482,965, T>C on the plus strand (A>G on the coding strand, the complement: GFI1 is on the minus strand). VCF-style: chr1-92482965-T-C. GRCh37 (hg19) VCF-style: chr1-92948522-T-C.
Other names: c.197A>G, p.Asp66Gly (NM_001127215.3, NM_001127216.3); short protein forms D66G.
Identifiers: ClinVar variation 4671605 (VCV004671605.1).